The following is an entry in ClinVar:

ClinVar aggregate classification (germline): Benign/Likely benign. Review status: criteria provided, multiple submitters, no conflicts (2 of 4 stars). 2 submissions from 2 submitters: Benign (1); Likely benign (1). Last evaluated 2024-11-07.

Conditions:
Papillary renal cell carcinoma type 1 (RCCP1). Also called: Renal adenocarcinoma; Renal cell carcinoma 1; RENAL CELL CARCINOMA, PAPILLARY, 1, SOMATIC; Renal cell carcinoma, somatic. Identifiers: Orphanet 47044, MedGen C1336839, OMIM 605074, HP:0011797.
Hereditary cancer-predisposing syndrome. Also called: Neoplastic Syndromes, Hereditary; Tumor predisposition; Hereditary neoplastic syndrome; Hereditary Cancer Syndrome. Identifiers: Orphanet 140162, MedGen C0027672, MeSH D009386, MONDO:0015356.

Submissions (2):

Myriad Genetics, Inc.
Classification: Benign for Papillary renal cell carcinoma type 1. Last evaluated: 2024-11-07. Review status: criteria provided, single submitter. Criteria: Myriad Autosomal Dominant, Autosomal Recessive and X-Linked Classification Criteria (2023). Collection method: clinical testing. Allele origin: unknown.
Comment: This variant is considered benign. This variant is a silent/synonymous amino acid change and it is not expected to impact splicing.

Ambry Genetics
Classification: Likely benign for Hereditary cancer-predisposing syndrome. Last evaluated: 2023-02-28. Review status: criteria provided, single submitter. Criteria: Ambry Variant Classification Scheme 2023. Collection method: clinical testing. Allele origin: germline.

NM_000245.4(MET):c.1149G>T (p.Val383=)

Gene: MET (MET proto-oncogene, receptor tyrosine kinase; plus strand). Cytogenetic location: 7q31.2.
Variant type: single nucleotide variant.
Coding change: c.1149G>T on transcript NM_000245.4 (MANE Select); coding-DNA position 1149, G replaced by T.
Protein change: p.Val383=; no amino-acid change (valine 383 retained).
Molecular consequence: synonymous variant. On other transcripts: intron variant (1).
Genome position (GRCh38, 1-based): chr7:116,700,233, G>T. VCF-style: chr7-116700233-G-T. GRCh37 (hg19) VCF-style: chr7-116340287-G-T.
Other names: c.1149G>T, p.Val383= (NM_001127500.3, NM_001324401.3); c.-91+27656G>T (NM_001324402.2).
Identifiers: ClinVar variation 2453426 (VCV002453426.3), dbSNP rs1033586067, ClinGen allele CA457448152.